The following is an entry in ClinVar:

ClinVar aggregate classification (germline): Pathogenic. Review status: criteria provided, multiple submitters, no conflicts (2 of 4 stars). 2 submissions from 2 submitters: Pathogenic (2). Last evaluated 2025-03-06.

Conditions:
Cardiovascular phenotype. Identifiers: MedGen CN230736.
Hereditary cancer-predisposing syndrome. Also called: Tumor predisposition; Hereditary Cancer Syndrome; Hereditary neoplastic syndrome; Neoplastic Syndromes, Hereditary. Identifiers: Orphanet 140162, MedGen C0027672, MeSH D009386, MONDO:0015356.
Neurofibromatosis, type 1 (NF1). Also called: VON RECKLINGHAUSEN DISEASE; NEUROFIBROMATOSIS, TYPE I, SOMATIC; Peripheral type neurofibromatosis; Neurofibromatosis, type I. Identifiers: Orphanet 636, MedGen C0027831, MONDO:0018975, OMIM 162200. Disease mechanism: loss of function.

Allele frequency attached by ClinVar (database versions not stated): gnomAD exomes below 0.00001.
gnomAD v4.1: 1 of 1,613,808 alleles (0.000062%); no homozygotes.

Submissions (2):

Ambry Genetics
Classification: Pathogenic for Cardiovascular phenotype; Hereditary cancer-predisposing syndrome. Last evaluated: 2025-03-06. Review status: criteria provided, single submitter. Criteria: Ambry Variant Classification Scheme 2023. Collection method: clinical testing. Allele origin: germline.
Comment: The p.W784* variant (also known as c.2352G>A), located in coding exon 20 of the NF1 gene, results from a G to A substitution at nucleotide position 2352. This changes the amino acid from a tryptophan to a stop codon within coding exon 20. This variant was reported in individual(s) with features consistent with Neurofibromatosis type 1(Xu W et al. Int J Mol Med, 2014 Jul;34:53-60; Knewitz DK et al. Sarcoma, 2021 Oct;2021:9386823; Ambry internal data). This variant is considered to be rare based on population cohorts in the Genome Aggregation Database (gnomAD). This alteration is expected to result in loss of function by premature protein truncation or nonsense-mediated mRNA decay. As such, this alteration is interpreted as a disease-causing mutation.

Labcorp Genetics (formerly Invitae), Labcorp
Classification: Pathogenic for Neurofibromatosis, type 1. Last evaluated: 2023-10-07. Review status: criteria provided, single submitter. Criteria: Invitae Variant Classification Sherloc (09022015). Collection method: clinical testing. Allele origin: germline.
Comment: This sequence change creates a premature translational stop signal (p.Trp784*) in the NF1 gene. It is expected to result in an absent or disrupted protein product. Loss-of-function variants in NF1 are known to be pathogenic (PMID: 10712197, 23913538). This variant is not present in population databases (gnomAD no frequency). This variant has not been reported in the literature in individuals affected with NF1-related conditions. ClinVar contains an entry for this variant (Variation ID: 237535). For these reasons, this variant has been classified as Pathogenic.

Literature cited by the submitters: PubMed 24789688 (cited by Ambry Genetics); PubMed 34646065 (cited by Ambry Genetics); PubMed 10712197 (cited by Labcorp Genetics (formerly Invitae), Labcorp); PubMed 23913538 (cited by Labcorp Genetics (formerly Invitae), Labcorp).

NM_001042492.3(NF1):c.2352G>A (p.Trp784Ter)

Gene: NF1 (neurofibromin 1; plus strand). Cytogenetic location: 17q11.2.
Variant type: single nucleotide variant.
Coding change: c.2352G>A on transcript NM_001042492.3 (MANE Select); coding-DNA position 2352, G replaced by A.
Protein change: p.Trp784Ter; replaces tryptophan 784 with a stop codon.
Molecular consequence: nonsense.
Genome position (GRCh38, 1-based): chr17:31,227,549, G>A. VCF-style: chr17-31227549-G-A. GRCh37 (hg19) VCF-style: chr17-29554567-G-A.
Other names: c.2352G>A, p.Trp784Ter (NM_000267.4); short protein forms W784*.
Identifiers: ClinVar variation 237535 (VCV000237535.6), dbSNP rs199474778, ClinGen allele CA10583483.